The following is an entry in ClinVar:

ClinVar aggregate classification (germline): Likely benign. Review status: criteria provided, multiple submitters, no conflicts (2 of 4 stars). 4 submissions from 4 submitters: Likely benign (3). 1 of the submissions does not count toward it. Last evaluated 2026-01-22.

Conditions:
Usher syndrome type 1B (USH1B). Also called: Usher syndrome type IB. Identifiers: MedGen C1848638, MONDO:0700087.
MYO7A-related disorder. Also called: MYO7A-related disorders.

Allele frequency attached by ClinVar (database versions not stated): gnomAD exomes 0.00006; gnomAD 0.00007; ExAC 0.00009; TOPMed 0.00009; ESP Exome Variant Server 0.00016.
gnomAD v4.1: 104 of 1,612,162 alleles (0.0065%); highest among the groups gnomAD compares: Middle Eastern, 0.05%; no homozygotes.

Submissions (4):

Labcorp Genetics (formerly Invitae), Labcorp
Classification: Likely benign. Last evaluated: 2026-01-22. Review status: criteria provided, single submitter. Criteria: Invitae Variant Classification Sherloc (09022015). Collection method: clinical testing. Allele origin: germline.

PreventionGenetics, part of Exact Sciences
Classification: Likely benign for MYO7A-related condition. Last evaluated: 2025-01-28. Review status: criteria provided, single submitter. Criteria: ACMG Guidelines, 2015. Collection method: clinical testing. Allele origin: germline.
Comment: This variant is classified as likely benign based on ACMG/AMP sequence variant interpretation guidelines (Richards et al. 2015 PMID: 25741868, with internal and published modifications).

Blueprint Genetics
Classification: Likely benign. Last evaluated: 2023-11-17. Review status: criteria provided, single submitter. Criteria: ACMG Guidelines, 2015. Collection method: clinical testing. Allele origin: germline.

Natera, Inc.
Classification: Uncertain significance for Usher syndrome type 1B. Last evaluated: 2020-02-13. Review status: no assertion criteria provided. Collection method: clinical testing. Allele origin: germline. Not counted in ClinVar's aggregate classification.

NM_000260.4(MYO7A):c.78G>A (p.Ala26=)

Gene: MYO7A (myosin VIIA; plus strand). Cytogenetic location: 11q13.5.
Variant type: single nucleotide variant.
Coding change: c.78G>A on transcript NM_000260.4 (MANE Select); coding-DNA position 78, G replaced by A.
Protein change: p.Ala26=; no amino-acid change (alanine 26 retained).
Molecular consequence: synonymous variant.
Genome position (GRCh38, 1-based): chr11:77,142,768, G>A. VCF-style: chr11-77142768-G-A. GRCh37 (hg19) VCF-style: chr11-76853814-G-A.
Other names: c.78G>A, p.Ala26= (NM_001127180.2); c.45G>A, p.Ala15= (NM_001369365.1).
Identifiers: ClinVar variation 751537 (VCV000751537.14), dbSNP rs373517098, ClinGen allele CA6197022.